The following is an entry in ClinVar:

ClinVar aggregate classification (germline): Uncertain significance. Review status: criteria provided, multiple submitters, no conflicts (2 of 4 stars). 10 submissions from 9 submitters: Uncertain significance (8). 2 of the submissions do not count toward it. Last evaluated 2024-06-25.

Conditions:
Usher syndrome type 2A. Also called: RETINAL DISEASE IN USHER SYNDROME TYPE IIA, MODIFIER OF; USHER SYNDROME, TYPE IIA. Identifiers: Orphanet 231178, Orphanet 886, MedGen C1848634, MONDO:0010169, OMIM 276901.
Retinitis pigmentosa 39 (RP39). Identifiers: Orphanet 791, MedGen C3151138, MONDO:0013436, OMIM 613809.
Retinal dystrophy. Also called: Inherited retinal dystrophy. Identifiers: Orphanet 71862, MedGen C0854723, MeSH D058499, MONDO:0019118, HP:0000556.

Allele frequency attached by ClinVar (database versions not stated): gnomAD 0.00002 and 0.00003; TOPMed 0.00005; ESP Exome Variant Server 0.00008.
gnomAD v4.1: 35 of 1,614,138 alleles (0.0022%); highest among the groups gnomAD compares: Middle Eastern, 0.033%; no homozygotes.

Submissions (10):

Blueprint Genetics
Classification: Uncertain significance. Last evaluated: 2024-06-25. Review status: criteria provided, single submitter. Criteria: ACMG Guidelines, 2015. Collection method: clinical testing. Allele origin: germline.

Genome-Nilou Lab
Classification: Uncertain significance for Retinitis pigmentosa 39. Last evaluated: 2023-11-04. Review status: criteria provided, single submitter. Criteria: ACMG Guidelines, 2015. Collection method: clinical testing. Allele origin: germline. Affected: no.

Genome-Nilou Lab
Classification: Uncertain significance for Usher syndrome type 2A. Last evaluated: 2023-11-04. Review status: criteria provided, single submitter. Criteria: ACMG Guidelines, 2015. Collection method: clinical testing. Allele origin: germline. Affected: no.

Labcorp Genetics (formerly Invitae), Labcorp
Classification: Uncertain significance. Last evaluated: 2022-08-23. Review status: criteria provided, single submitter. Criteria: Invitae Variant Classification Sherloc (09022015). Collection method: clinical testing. Allele origin: germline.
Comment: This sequence change replaces threonine, which is neutral and polar, with isoleucine, which is neutral and non-polar, at codon 4455 of the USH2A protein (p.Thr4455Ile). This variant is present in population databases (rs373152283, gnomAD 0.02%). This variant has not been reported in the literature in individuals affected with USH2A-related conditions. ClinVar contains an entry for this variant (Variation ID: 618475). Algorithms developed to predict the effect of missense changes on protein structure and function (SIFT, PolyPhen-2, Align-GVGD) all suggest that this variant is likely to be tolerated. In summary, the available evidence is currently insufficient to determine the role of this variant in disease. Therefore, it has been classified as a Variant of Uncertain Significance.

CeGaT Center for Human Genetics Tuebingen
Classification: Uncertain significance. Last evaluated: 2020-03-01. Review status: criteria provided, single submitter. Criteria: CeGaT Center For Human Genetics Tuebingen Variant Classification Criteria Version 2. Collection method: clinical testing. Allele origin: germline. Affected: yes. Observed: 1 variant allele.

GeneDx
Classification: Uncertain significance. Last evaluated: 2019-10-28. Review status: criteria provided, single submitter. Criteria: GeneDx Variant Classification Process June 2021. Collection method: clinical testing. Allele origin: germline. Affected: yes.
Comment: Not observed at a significant frequency in large population cohorts (Lek et al., 2016); In silico analysis, which includes protein predictors and evolutionary conservation, supports that this variant does not alter protein structure/function; Has not been previously published as pathogenic or benign to our knowledge

ARUP Laboratories, Molecular Genetics and Genomics, ARUP Laboratories
Classification: Uncertain significance. Last evaluated: 2017-06-02. Review status: criteria provided, single submitter. Criteria: ARUP Molecular Germline Variant Investigation Process. Collection method: clinical testing. Allele origin: germline.
Comment: The p.Thr4455Ile variant (rs373152283) has not been reported in the medical literature in association with Usher syndrome. This variant is listed in the NHLBI GO Exome Sequencing Project with an overall population frequency of 0.01 percent (identified on 1 out of 13,006 chromosomes) and is listed in the Exome Aggregation Consortium Browser with an overall population frequency of 0.003 percent (identified on 4 out of 121,200 chromosomes). The threonine at position 4455 is moderately conserved (considering 12 species, Alamut v.2.9.0) and computational analyses of the effects of the p.Thr4455Ile variant on protein structure and function provide conflicting results (SIFT: tolerated, MutationTaster: disease causing, PolyPhen-2: possibly damaging). Altogether, there is not enough evidence to classify the p.Thr4455Ile variant with certainty.

Breakthrough Genomics
Classification: Uncertain significance. Review status: criteria provided, single submitter. Criteria: ACMG Guidelines, 2015. Collection method: not provided. Allele origin: germline. Inheritance: Autosomal recessive inheritance. Affected: yes.

Institute of Human Genetics, Univ. Regensburg, Univ. Regensburg
Classification: Uncertain significance for Retinal dystrophy. Last evaluated: 2022-01-01. Review status: no assertion criteria provided. Criteria: ACMG Guidelines, 2015. Collection method: clinical testing. Allele origin: germline. Affected: yes. Not counted in ClinVar's aggregate classification.

Natera, Inc.
Classification: Uncertain significance for Usher syndrome type 2A. Last evaluated: 2019-11-11. Review status: no assertion criteria provided. Collection method: clinical testing. Allele origin: germline. Not counted in ClinVar's aggregate classification.

NM_206933.4(USH2A):c.13364C>T (p.Thr4455Ile)

Gene: USH2A (usherin; minus strand). Cytogenetic location: 1q41.
Variant type: single nucleotide variant.
Coding change: c.13364C>T on transcript NM_206933.4 (MANE Select); coding-DNA position 13364, C replaced by T.
Protein change: p.Thr4455Ile; replaces threonine 4455 with isoleucine.
Molecular consequence: missense variant.
Genome position (GRCh38, 1-based): chr1:215,674,547, G>A on the plus strand (C>T on the coding strand, the complement: USH2A is on the minus strand). VCF-style: chr1-215674547-G-A. GRCh37 (hg19) VCF-style: chr1-215847889-G-A.
Other names: short protein forms T4455I.
Identifiers: ClinVar variation 618475 (VCV000618475.53), dbSNP rs373152283, ClinGen allele CA1393301.